The following is an entry in ClinVar:

NM_172139.4(IFNL3):c.209A>G (p.Lys70Arg)

Gene: IFNL3 (interferon lambda 3; minus strand). Cytogenetic location: 19q13.2.
Variant type: single nucleotide variant.
Coding change: c.209A>G on transcript NM_172139.4 (MANE Select); coding-DNA position 209, A replaced by G.
Protein change: p.Lys70Arg; replaces lysine 70 with arginine.
Molecular consequence: missense variant.
Genome position (GRCh38, 1-based): chr19:39,244,466, T>C on the plus strand (A>G on the coding strand, the complement: IFNL3 is on the minus strand). VCF-style: chr19-39244466-T-C. GRCh37 (hg19) VCF-style: chr19-39735106-T-C.
Other names: c.221A>G, p.Lys74Arg (NM_001346937.2); short protein forms K70R, K74R.
Identifiers: ClinVar variation 511091 (VCV000511091.2), dbSNP rs8103142, ClinGen allele CA9426041.
Genomic context (GRCh38, chr19:39,244,466, plus strand): 5'-CCCCCTCTCACCTGCAGCTGCCTCAGGTCCCAGGTCCTGGGGAAGAGGCGGGAGCGGCAC[T>C]TGCAGTCCTTCAGCAGAAGCGACTCTTCCTAGACAGCAAAGGCACAGGTTAGCCCCAGCA-3'
Protein context (NP_742151.2, residues 60-80): LEESLLLKDC[Lys70Arg]CRSRLFPRTW

ClinVar aggregate classification (germline): Likely benign. Review status: criteria provided, multiple submitters, no conflicts (2 of 4 stars). 2 submissions from 2 submitters: Likely benign (2). Last evaluated 2018-03-09.

Allele frequency attached by ClinVar (database versions not stated): ExAC 0.27866; gnomAD exomes 0.28933 and 0.30026; gnomAD 0.39678 and 0.40810; TOPMed 0.41842; 1000 Genomes Project 0.36542; 1000 Genomes Project 30x 0.38210.
gnomAD v4.1: 484,108 of 1,562,762 alleles (31%); highest among the groups gnomAD compares: African/African-American, 63%; 85,144 homozygotes.

Submissions (2):

GeneDx
Classification: Likely benign. Last evaluated: 2018-03-09. Review status: criteria provided, single submitter. Criteria: GeneDx Variant Classification (06012015). Collection method: clinical testing. Allele origin: germline. Affected: yes.
Comment: This variant is considered likely benign or benign based on one or more of the following criteria: it is a conservative change, it occurs at a poorly conserved position in the protein, it is predicted to be benign by multiple in silico algorithms, and/or has population frequency not consistent with disease.

Breakthrough Genomics
Classification: Likely benign. Review status: criteria provided, single submitter. Criteria: ACMG Guidelines, 2015. Collection method: not provided. Allele origin: germline. Inheritance: Unknown mechanism. Affected: yes.